The following is an entry in ClinVar:

NM_001040142.2(SCN2A):c.1260C>G (p.Ile420Met)

Gene: SCN2A (sodium voltage-gated channel alpha subunit 2; plus strand). Cytogenetic location: 2q24.3.
Variant type: single nucleotide variant.
Coding change: c.1260C>G on transcript NM_001040142.2 (MANE Select); coding-DNA position 1260, C replaced by G.
Protein change: p.Ile420Met; replaces isoleucine 420 with methionine.
Molecular consequence: missense variant.
Genome position (GRCh38, 1-based): chr2:165,313,985, C>G. VCF-style: chr2-165313985-C-G. GRCh37 (hg19) VCF-style: chr2-166170495-C-G.
Other names: c.1260C>G, p.Ile420Met (NM_001040143.2, NM_001371246.1, NM_001371247.1 and 1 more transcripts); short protein forms I420M.
Identifiers: ClinVar variation 3772295 (VCV003772295.13).

ClinVar aggregate classification (germline): Likely pathogenic (1 of 4 stars; one submission).

Submission:

CeGaT Center for Human Genetics Tuebingen
Classification: Likely pathogenic. Last evaluated: 2025-01-01. Review status: criteria provided, single submitter. Criteria: CeGaT Center For Human Genetics Tuebingen Variant Classification Criteria Version 2. Collection method: clinical testing. Allele origin: germline. Affected: yes. Observed: 1 variant allele.
Comment: SCN2A: PM1, PM2, PP2, PP3